The following is an entry in ClinVar:

ClinVar aggregate classification (germline): Pathogenic/Likely pathogenic. Review status: criteria provided, multiple submitters, no conflicts (2 of 4 stars). 2 submissions from 2 submitters: Pathogenic (1); Likely pathogenic (1). Last evaluated 2024-10-18.

Conditions:
Autosomal recessive limb-girdle muscular dystrophy type 2J (LGMDR10). Also called: Limb-girdle muscular dystrophy, type 2J; MUSCULAR DYSTROPHY, LIMB-GIRDLE, AUTOSOMAL RECESSIVE 10. Identifiers: Orphanet 140922, MedGen C1837342, MONDO:0012127, OMIM 608807.
Dilated cardiomyopathy 1G (CMD1G). Identifiers: Orphanet 154, MedGen C1858763, MONDO:0011400, OMIM 604145.
Tibial muscular dystrophy (TMD). Also called: UDD MYOPATHY; Udd Distal Myopathy – Tibial Muscular Dystrophy; Tibial muscular dystrophy, tardive. Identifiers: Orphanet 609, MedGen C1838244, MONDO:0010870, OMIM 600334.

Submissions (2):

Labcorp Genetics (formerly Invitae), Labcorp
Classification: Likely pathogenic for Dilated cardiomyopathy 1G; Autosomal recessive limb-girdle muscular dystrophy type 2J. Last evaluated: 2024-10-18. Review status: criteria provided, single submitter. Criteria: Invitae Variant Classification Sherloc (09022015). Collection method: clinical testing. Allele origin: germline.
Comment: This sequence change creates a premature translational stop signal (p.Val11719Serfs*3) in the TTN gene. While this is not anticipated to result in nonsense mediated decay, it is expected to create a truncated TTN protein. This variant is not present in population databases (gnomAD no frequency). This variant has not been reported in the literature in individuals affected with TTN-related conditions. ClinVar contains an entry for this variant (Variation ID: 843125). This variant is located in the I band of TTN (PMID: 25589632). Truncating variants in this region have been reported in individuals affected with autosomal recessive centronuclear myopathy (PMID: 23975875, internal data). Truncating variants in this region have also been identified in individuals affected with autosomal dominant dilated cardiomyopathy and/or cardio-related conditions (PMID: 27869827, 32964742, internal data). In summary, the currently available evidence indicates that the variant is pathogenic, but additional data are needed to prove that conclusively. Therefore, this variant has been classified as Likely Pathogenic.

Mendelics
Classification: Pathogenic for Tibial muscular dystrophy. Last evaluated: 2022-05-04. Review status: criteria provided, single submitter. Criteria: Mendelics Assertion Criteria 2019. Collection method: clinical testing. Allele origin: germline.

Literature cited by the submitters: PubMed 25589632 (cited by Labcorp Genetics (formerly Invitae), Labcorp); PubMed 23975875 (cited by Labcorp Genetics (formerly Invitae), Labcorp); PubMed 27869827 (cited by Labcorp Genetics (formerly Invitae), Labcorp); PubMed 32964742 (cited by Labcorp Genetics (formerly Invitae), Labcorp).

NM_001267550.2(TTN):c.35154dup (p.Val11719fs)

Gene: TTN (titin; minus strand). Cytogenetic location: 2q31.2.
Variant type: Duplication.
Coding change: c.35154dup on transcript NM_001267550.2 (MANE Select); coding-DNA position 35154, one base duplicated (A; older notation c.35154dupA).
Protein change: p.Val11719fs; shifts the reading frame from valine 11719.
Molecular consequence: frameshift variant. On other transcripts: intron variant (3).
Genome position (GRCh38, 1-based): chr2:178,672,044, T duplicated on the plus strand (A on the coding strand, the reverse complement: TTN is on the minus strand); the first of 5 consecutive T bases (chr2:178,672,044-178,672,048); duplicating any one gives the same sequence. VCF-style (leftmost placement, unchanged base first): chr2-178672043-C-CT. GRCh37 (hg19) VCF-style: chr2-179536770-C-CT.
Other names: c.34032dup, p.Val11345fs (NM_001256850.1); c.31251dup, p.Val10418fs (NM_133378.4); c.13283-29731dup (NM_003319.4); c.13859-29731dup (NM_133437.4); c.13658-29731dup (NM_133432.3); short protein forms V11719fs, V10418fs, V11345fs.
Identifiers: ClinVar variation 843125 (VCV000843125.13), dbSNP rs2067087661, ClinGen allele CA916081374.
Genomic context (GRCh38, chr2:178,672,043, plus strand): 5'-CTTTTGGTTTTTCAAATACTTCCACTTCTTCAGCCTCAAAAACTTCTATTACCCTATGAA[C>CT]TTTTTCAACTCTGTGTTCTTCTTCAACTCTATGTTGTTCTAATTTGATGAATTCTTCTAC-3'